The following is an entry in ClinVar:

NM_015100.4(POGZ):c.1079-1G>A

Gene: POGZ (pogo transposable element derived with ZNF domain; minus strand). Cytogenetic location: 1q21.3.
Variant type: single nucleotide variant.
Coding change: c.1079-1G>A on transcript NM_015100.4 (MANE Select); the canonical splice acceptor site of the intron before coding-DNA position 1079, G replaced by A.
Molecular consequence: splice acceptor variant.
Genome position (GRCh38, 1-based): chr1:151,425,062, C>T on the plus strand (G>A on the coding strand, the complement: POGZ is on the minus strand). VCF-style: chr1-151425062-C-T. GRCh37 (hg19) VCF-style: chr1-151397538-C-T.
Other names: c.893-1G>A (NM_001194938.2); c.794-1G>A (NM_145796.4); c.1052-1G>A (NM_001194937.2); c.1100-1G>A (NM_001410860.1); c.920-1G>A (NM_207171.2).
Identifiers: ClinVar variation 4845260 (VCV004845260.1).
Genomic context (GRCh38, chr1:151,425,062, plus strand): 5'-ATCGTGGACATATTTTCCGTCCACCATCCTGGAGGTCAAATACTGGGATGGAAGAGGTCA[C>T]TGAAAGAAGTGAGAAGAATTGATAAGATTAATACAATGACACTGGAAAAAGATTACTGAC-3'

ClinVar aggregate classification (germline): Likely pathogenic (0 of 4 stars; one submission).

Submission:

Diagnostics Centre, Carl Von Ossietzky University Oldenburg
Classification: Likely pathogenic. Last evaluated: 2025-07-24. Review status: no assertion criteria provided. Collection method: clinical testing. Allele origin: germline. Affected: yes. Observed: 1 variant allele.
Comment: The variant POGZ:c.1079-1G>A p.? is located in the canonical splice site after exon 8 of the POGZ gene at nucleotide position c.1079-1. The variant is suggested to change on splicing. The altered splice pattern causes a frameshift resulting in the formation of a premature stop codon. The altered gene product is predicted to be degraded by nonsense-mediated decay in a gene where loss-of-function is a known mechanism of disease. The variant has not yet been described in ClinVar or in any publications known to us. The variant is classified as very rare since it is absent in gnomAD v4.1.0. In summary, the variant is classified as Likely pathogenic variant.